The following is an entry in ClinVar:

NM_024690.2(MUC16):c.39633T>C (p.Ser13211=)

Gene: MUC16 (mucin 16, cell surface associated; minus strand). Cytogenetic location: 19p13.2.
Variant type: single nucleotide variant.
Coding change: c.39633T>C on transcript NM_024690.2; coding-DNA position 39633, T replaced by C.
Protein change: p.Ser13211=; no amino-acid change (serine 13211 retained).
Molecular consequence: synonymous variant.
Genome position (GRCh38, 1-based): chr19:8,895,709, A>G on the plus strand (T>C on the coding strand, the complement: MUC16 is on the minus strand). VCF-style: chr19-8895709-A-G. GRCh37 (hg19) VCF-style: chr19-9006385-A-G.
Identifiers: ClinVar variation 3057012 (VCV003057012.2), dbSNP rs201630633, ClinGen allele CA9163921.

ClinVar aggregate classification (germline): Likely benign (0 of 4 stars; one submission).

Conditions:
MUC16-related disorder. Also called: MUC16-related condition.

Allele frequency attached by ClinVar (database versions not stated): ExAC 0.04234.

Submission:

PreventionGenetics, part of Exact Sciences
Classification: Likely benign for MUC16-related condition. Last evaluated: 2019-10-21. Review status: no assertion criteria provided. Collection method: clinical testing. Allele origin: germline.
Comment: This variant is classified as likely benign based on ACMG/AMP sequence variant interpretation guidelines (Richards et al. 2015 PMID: 25741868, with internal and published modifications).